The following is an entry in ClinVar:

ClinVar aggregate classification (germline): Uncertain significance. Review status: criteria provided, multiple submitters, no conflicts (2 of 4 stars). 6 submissions from 6 submitters: Uncertain significance (6). Last evaluated 2025-10-22.

Conditions:
Inborn genetic diseases. Identifiers: MedGen C0950123, MeSH D030342.
Fanconi anemia (FA). Also called: Fanconi's anemia. Identifiers: Orphanet 84, MedGen C0015625, MeSH D005199, MONDO:0019391.
Fanconi anemia complementation group A (FANCA). Also called: FANCA-Related Fanconi Anemia; Fanconi anemia, group A. Identifiers: Orphanet 84, MedGen C3469521, MONDO:0009215, OMIM 227650.

Allele frequency attached by ClinVar (database versions not stated): gnomAD exomes below 0.00001; ExAC 0.00001; TOPMed 0.00001.
gnomAD v4.1: 1 of 1,613,684 alleles (0.000062%); highest among the groups gnomAD compares: Admixed American, 0.0017%; no homozygotes.

Submissions (6):

Mayo Clinic Laboratories, Mayo Clinic
Classification: Uncertain significance. Last evaluated: 2025-10-22. Review status: criteria provided, single submitter. Criteria: ACMG Guidelines, 2015. Collection method: clinical testing. Allele origin: germline. Observed: 1 variant allele.
Comment: BP4, PM2_supporting

GeneDx
Classification: Uncertain significance. Last evaluated: 2025-06-25. Review status: criteria provided, single submitter. Criteria: GeneDx Variant Classification Process June 2021. Collection method: clinical testing. Allele origin: germline. Affected: yes.
Comment: Not observed at significant frequency in large population cohorts (gnomAD); In silico analysis supports that this missense variant has a deleterious effect on protein structure/function; Has not been previously published as pathogenic or benign to our knowledge

Quest Diagnostics Nichols Institute San Juan Capistrano
Classification: Uncertain significance. Last evaluated: 2025-02-26. Review status: criteria provided, single submitter. Criteria: Quest Diagnostics criteria. Collection method: clinical testing. Allele origin: unknown.
Comment: The FANCA c.4333G>A (p.Asp1445Asn) variant has not been reported in individuals with FANCA-related conditions in the published literature. The frequency of this variant in the general population (Genome Aggregation Database) is uninformative in the assessment of its pathogenicity. Analysis of this variant using bioinformatics tools for the prediction of the effect of amino acid changes on protein structure and function yielded conflicting predictions that this variant is benign or damaging. Based on the available information, we are unable to determine the clinical significance of this variant.

Ambry Genetics
Classification: Uncertain significance for Inborn genetic diseases. Last evaluated: 2025-01-06. Review status: criteria provided, single submitter. Criteria: Ambry Variant Classification Scheme 2023. Collection method: clinical testing. Allele origin: germline.
Comment: The p.D1445N variant (also known as c.4333G>A), located in coding exon 43 of the FANCA gene, results from a G to A substitution at nucleotide position 4333. The aspartic acid at codon 1445 is replaced by asparagine, an amino acid with highly similar properties. This amino acid position is conserved. In addition, this alteration is predicted to be tolerated by in silico analysis. Based on the available evidence, the clinical significance of this variant remains unclear.

Fulgent Genetics
Classification: Uncertain significance for Fanconi anemia complementation group A. Last evaluated: 2024-03-22. Review status: criteria provided, single submitter. Criteria: ACMG Guidelines, 2015. Collection method: clinical testing. Allele origin: germline.

Labcorp Genetics (formerly Invitae), Labcorp
Classification: Uncertain significance for Fanconi anemia. Last evaluated: 2020-11-06. Review status: criteria provided, single submitter. Criteria: Invitae Variant Classification Sherloc (09022015). Collection method: clinical testing. Allele origin: germline.
Comment: In summary, the available evidence is currently insufficient to determine the role of this variant in disease. Therefore, it has been classified as a Variant of Uncertain Significance. Advanced modeling of protein sequence and biophysical properties (such as structural, functional, and spatial information, amino acid conservation, physicochemical variation, residue mobility, and thermodynamic stability) performed at Invitae indicates that this missense variant is not expected to disrupt FANCA protein function. This sequence change replaces aspartic acid with asparagine at codon 1445 of the FANCA protein (p.Asp1445Asn). The aspartic acid residue is moderately conserved and there is a small physicochemical difference between aspartic acid and asparagine. The frequency data for this variant in the population databases is considered unreliable, as metrics indicate poor data quality at this position in the ExAC database. This variant has not been reported in the literature in individuals with FANCA-related conditions.

NM_000135.4(FANCA):c.4333G>A (p.Asp1445Asn)

Genes: ZNF276 (zinc finger protein 276; plus strand), FANCA (FA complementation group A; minus strand). Cytogenetic location: 16q24.3.
Variant type: single nucleotide variant.
Coding change: c.4333G>A on transcript NM_000135.4 (MANE Select); coding-DNA position 4333, G replaced by A.
Protein change: p.Asp1445Asn; replaces aspartic acid 1445 with asparagine.
Molecular consequence: missense variant. On other transcripts: 3 prime UTR variant (3), non-coding transcript variant (4).
Genome position (GRCh38, 1-based): chr16:89,738,636, C>T on the plus strand (G>A on the coding strand, the complement: FANCA is on the minus strand). VCF-style: chr16-89738636-C-T. GRCh37 (hg19) VCF-style: chr16-89805044-C-T.
Other names: p.Asp1445Asn; c.4333G>A (NM_000135.3); c.*62G>A (NM_001286167.3); c.*390C>T (NM_001113525.2, NM_152287.4); short protein forms D1445N.
Identifiers: ClinVar variation 1372493 (VCV001372493.11), dbSNP rs769025633, ClinGen allele CA8250569.